The following is an entry in ClinVar:

NM_001330260.2(SCN8A):c.5615G>T (p.Arg1872Leu)

Gene: SCN8A (sodium voltage-gated channel alpha subunit 8; plus strand). Cytogenetic location: 12q13.13.
Variant type: single nucleotide variant.
Coding change: c.5615G>T on transcript NM_001330260.2 (MANE Select); coding-DNA position 5615, G replaced by T.
Protein change: p.Arg1872Leu; replaces arginine 1872 with leucine.
Molecular consequence: missense variant.
Genome position (GRCh38, 1-based): chr12:51,807,101, G>T. VCF-style: chr12-51807101-G-T. GRCh37 (hg19) VCF-style: chr12-52200885-G-T.
Other names: c.5492G>T, p.Arg1831Leu (NM_001177984.3, NM_001369788.1); c.5615G>T, p.Arg1872Leu (NM_014191.4); short protein forms R1872L, R1831L.
Identifiers: ClinVar variation 207132 (VCV000207132.8), dbSNP rs796053229, ClinGen allele CA318301.

ClinVar aggregate classification (germline): Pathogenic. Review status: criteria provided, multiple submitters, no conflicts (2 of 4 stars). 2 submissions from 2 submitters: Pathogenic (2). Last evaluated 2022-06-17.

Conditions:
Early-infantile DEE. Also called: Ohtahara syndrome; Early infantile epileptic encephalopathy; Early infantile epileptic encephalopathy with suppression bursts. Identifiers: Orphanet 1934, MedGen C0393706, MONDO:0800491.

Submissions (3):

Labcorp Genetics (formerly Invitae), Labcorp
Classification: Pathogenic for Early-infantile DEE. Last evaluated: 2022-06-17. Review status: criteria provided, single submitter. Criteria: Invitae Variant Classification Sherloc (09022015). Collection method: clinical testing. Allele origin: germline.
Comment: For these reasons, this variant has been classified as Pathogenic. This variant disrupts the p.Arg1872 amino acid residue in SCN8A. Other variant(s) that disrupt this residue have been determined to be pathogenic (PMID: 25568300, 26647175, 26900580, 28387369). This suggests that this residue is clinically significant, and that variants that disrupt this residue are likely to be disease-causing. Experimental studies have shown that this missense change affects SCN8A function (PMID: 26900580). Algorithms developed to predict the effect of missense changes on protein structure and function are either unavailable or do not agree on the potential impact of this missense change (SIFT: "Deleterious"; PolyPhen-2: "Probably Damaging"; Align-GVGD: "Class C0"). ClinVar contains an entry for this variant (Variation ID: 207132). This missense change has been observed in individual(s) with autosomal dominant epilepsy and/or autosomal dominant epileptic encephalopathy with cerebellar atrophy (PMID: 26900580, 31402610). In at least one individual the variant was observed to be de novo. This variant is not present in population databases (gnomAD no frequency). This sequence change replaces arginine, which is basic and polar, with leucine, which is neutral and non-polar, at codon 1872 of the SCN8A protein (p.Arg1872Leu).

GeneDx
Classification: Pathogenic. Last evaluated: 2014-09-15. Review status: criteria provided, single submitter. Criteria: GeneDx Variant Classification (06012015). Collection method: clinical testing. Allele origin: germline. Affected: yes.
Comment: p.Arg1872Leu (CGG>CTG): c.5615 G>T in exon 27 of the SCN8A gene (NM_014191.3)The R1872L mutation has not been published as a mutation, nor has it been reported as a benign polymorphism to our knowledge. R1872L is a non-conservative amino acid substitution, which is likely to impact secondary protein structure as these residues differ in polarity, charge, size and/or other properties. This substitution alters a highly conserved position in the in the cytoplasmic domain after the 4th homologous repeat. In silico analysis predicts this substitution is probably damaging to the protein structure/function. It was not observed in approximately 6,500 individuals of European and African American ancestry in the NHLBI Exome Sequencing Project, indicating it is not a common benign variant in these populations. Although this mutation has not been reported previously to our knowledge, it is interpreted to be a disease-causing mutation. The variant is found in INFANT-EPI panel(s).

Channelopathy-Associated Epilepsy Research Center
No classification provided (evidence only). Condition: Complex neurodevelopmental disorder. Review status: no classification provided. Collection method: literature only. Allele origin: not applicable. Functional consequence: Mild decrease in peak current, Mild increase in persistent current, Mild hyperpolarizing shift of voltage dependence of activation, Normal voltage dependence of fast inactivation, Normal slope of fast inactivation, Normal slope of activation, Overall gain-of-function effect with respect to biophysical channel activity. Not counted in ClinVar's aggregate classification.
ClinVar note: "not provided" was previously submitted as the classification for the variant. However, the classification appeared to be based only on an observation of functional data so it was converted to no classification on 2025-07-30.

Literature cited by the submitters: PubMed 25568300 (cited by Labcorp Genetics (formerly Invitae), Labcorp); PubMed 26647175 (cited by Labcorp Genetics (formerly Invitae), Labcorp); PubMed 26900580 (cited by Labcorp Genetics (formerly Invitae), Labcorp and Channelopathy-Associated Epilepsy Research Center); PubMed 28387369 (cited by Labcorp Genetics (formerly Invitae), Labcorp); PubMed 31402610 (cited by Labcorp Genetics (formerly Invitae), Labcorp).